The following is an entry in ClinVar:

ClinVar aggregate classification (germline): Uncertain significance (1 of 4 stars; one submission).

Conditions:
Hereditary diffuse gastric adenocarcinoma (HDGC). Also called: DIFFUSE GASTRIC AND LOBULAR BREAST CANCER SYNDROME. Identifiers: Orphanet 26106, MedGen C1708349, MONDO:0007648, OMIM 137215.

Submission:

Labcorp Genetics (formerly Invitae), Labcorp
Classification: Uncertain significance for Hereditary diffuse gastric adenocarcinoma. Last evaluated: 2022-06-14. Review status: criteria provided, single submitter. Criteria: Invitae Variant Classification Sherloc (09022015). Collection method: clinical testing. Allele origin: germline.
Comment: In summary, the available evidence is currently insufficient to determine the role of this variant in disease. Therefore, it has been classified as a Variant of Uncertain Significance. Algorithms developed to predict the effect of missense changes on protein structure and function (SIFT, PolyPhen-2, Align-GVGD) all suggest that this variant is likely to be disruptive. This variant has not been reported in the literature in individuals affected with CDH1-related conditions. This variant is not present in population databases (gnomAD no frequency). This sequence change replaces proline, which is neutral and non-polar, with threonine, which is neutral and polar, at codon 740 of the CDH1 protein (p.Pro740Thr).

NM_004360.5(CDH1):c.2218C>A (p.Pro740Thr)

Gene: CDH1 (cadherin 1; plus strand). Cytogenetic location: 16q22.1.
Variant type: single nucleotide variant.
Coding change: c.2218C>A on transcript NM_004360.5 (MANE Select); coding-DNA position 2218, C replaced by A.
Protein change: p.Pro740Thr; replaces proline 740 with threonine.
Molecular consequence: missense variant.
Genome position (GRCh38, 1-based): chr16:68,828,227, C>A. VCF-style: chr16-68828227-C-A. GRCh37 (hg19) VCF-style: chr16-68862130-C-A.
Other names: c.2035C>A, p.Pro679Thr (NM_001317184.2); c.670C>A, p.Pro224Thr (NM_001317185.2); c.253C>A, p.Pro85Thr (NM_001317186.2); short protein forms P224T, P679T, P740T, P85T.
Identifiers: ClinVar variation 1516634 (VCV001516634.8), dbSNP rs773795943, ClinGen allele CA396469648.